The following is an entry in ClinVar:

ClinVar aggregate classification (germline): Conflicting classifications of pathogenicity. Review status: criteria provided, conflicting classifications (1 of 4 stars). 9 submissions from 9 submitters: Uncertain significance (5); Likely benign (2). 2 of the submissions do not count toward it. Last evaluated 2025-10-01.

Conditions:
Hereditary cancer. Identifiers: MedGen C1333600.
Hereditary cancer-predisposing syndrome. Also called: Tumor predisposition; Hereditary neoplastic syndrome; Neoplastic Syndromes, Hereditary; Hereditary Cancer Syndrome. Identifiers: Orphanet 140162, MedGen C0027672, MeSH D009386, MONDO:0015356.
Fanconi anemia complementation group C (FANCC). Also called: FANCC-Related Fanconi Anemia; FANCONI PANCYTOPENIA, TYPE 3; FACC; Fanconi anemia, group C. Identifiers: Orphanet 84, MedGen C3468041, MONDO:0009213, OMIM 227645.
Fanconi anemia (FA). Also called: Fanconi's anemia. Identifiers: Orphanet 84, MedGen C0015625, MeSH D005199, MONDO:0019391.
FANCC-related disorder. Also called: FANCC-related condition.

Allele frequency attached by ClinVar (database versions not stated): ExAC 0.00008; gnomAD 0.00035 and 0.00038; ESP Exome Variant Server 0.00038; TOPMed 0.00040; gnomAD exomes 0.00002 and 0.00006.
gnomAD v4.1: 85 of 1,614,038 alleles (0.0053%); highest among the groups gnomAD compares: African/African-American, 0.099%; 1 homozygote.

Submissions (9):

GeneDx
Classification: Uncertain significance. Last evaluated: 2025-10-01. Review status: criteria provided, single submitter. Criteria: GeneDx Variant Classification Process June 2021. Collection method: clinical testing. Allele origin: germline. Affected: yes.
Comment: In silico analysis suggests that this missense variant does not alter protein structure/function; Observed in an individual with breast cancer (PMID: 35264596); This variant is associated with the following publications: (PMID: 27363283, 30171174, 35264596)

ARUP Laboratories, Molecular Genetics and Genomics, ARUP Laboratories
Classification: Likely benign for Fanconi anemia complementation group C. Last evaluated: 2024-05-01. Review status: criteria provided, single submitter. Criteria: ARUP Molecular Germline Variant Investigation Process 2024. Collection method: clinical testing. Allele origin: germline.

Mendelics
Classification: Likely benign for Hereditary cancer. Last evaluated: 2024-01-23. Review status: criteria provided, single submitter. Criteria: ACMG Guidelines, 2015. Collection method: clinical testing. Allele origin: unknown.

St. Jude Molecular Pathology, St. Jude Children's Research Hospital
Classification: Uncertain significance for Fanconi anemia complementation group C. Last evaluated: 2024-01-03. Review status: criteria provided, single submitter. Criteria: St. Jude Assertion Criteria 2020. Collection method: clinical testing. Allele origin: germline.
Comment: The FANCC c.1374A>C (p.Arg458Ser) missense change has a maximum subpopulation frequency of 0.10% in gnomAD v2.1.1. The in silico tool REVEL predicts a benign effect on protein function, but to our knowledge this prediction has not been confirmed by functional studies. To our knowledge, this variant has not been reported in the literature in individuals with Fanconi anemia. In summary, the evidence currently available is insufficient to determine the clinical significance of this variant. It has therefore been classified as of uncertain significance.

Blueprint Genetics
Classification: Uncertain significance. Last evaluated: 2023-12-27. Review status: criteria provided, single submitter. Criteria: ACMG Guidelines, 2015. Collection method: clinical testing. Allele origin: germline.

Labcorp Genetics (formerly Invitae), Labcorp
Classification: Uncertain significance for Fanconi anemia. Last evaluated: 2022-10-24. Review status: criteria provided, single submitter. Criteria: Invitae Variant Classification Sherloc (09022015). Collection method: clinical testing. Allele origin: germline.
Comment: This sequence change replaces arginine, which is basic and polar, with serine, which is neutral and polar, at codon 458 of the FANCC protein (p.Arg458Ser). This variant is present in population databases (rs56394801, gnomAD 0.1%). This variant has not been reported in the literature in individuals affected with FANCC-related conditions. ClinVar contains an entry for this variant (Variation ID: 127532). Advanced modeling of protein sequence and biophysical properties (such as structural, functional, and spatial information, amino acid conservation, physicochemical variation, residue mobility, and thermodynamic stability) performed at Invitae indicates that this missense variant is not expected to disrupt FANCC protein function. In summary, the available evidence is currently insufficient to determine the role of this variant in disease. Therefore, it has been classified as a Variant of Uncertain Significance.

Ambry Genetics
Classification: Uncertain significance for Hereditary cancer-predisposing syndrome. Last evaluated: 2021-07-06. Review status: criteria provided, single submitter. Criteria: Ambry Variant Classification Scheme 2023. Collection method: clinical testing. Allele origin: germline.

PreventionGenetics, part of Exact Sciences
Classification: Uncertain significance for FANCC-related condition. Last evaluated: 2024-05-03. Review status: no assertion criteria provided. Collection method: clinical testing. Allele origin: germline. Not counted in ClinVar's aggregate classification.
Comment: The FANCC c.1374A>C variant is predicted to result in the amino acid substitution p.Arg458Ser. This variant was reported in an individual with breast cancer (Table S3, Guindalini et al 2022. PubMed ID: 35264596). This variant is reported in 0.11% of alleles in individuals of African descent in gnomAD. In ClinVar, this variant is interpreted as likely benign/uncertain. Although we suspect that this variant may be benign, at this time, the clinical significance of this variant is uncertain due to the absence of conclusive functional and genetic evidence.

Natera, Inc.
Classification: Uncertain significance for Fanconi anemia, group C. Last evaluated: 2018-05-07. Review status: no assertion criteria provided. Collection method: clinical testing. Allele origin: germline. Not counted in ClinVar's aggregate classification.

NM_000136.3(FANCC):c.1374A>C (p.Arg458Ser)

Genes: AOPEP (aminopeptidase O (putative); plus strand), FANCC (FA complementation group C; minus strand). Cytogenetic location: 9q22.32.
Variant type: single nucleotide variant.
Coding change: c.1374A>C on transcript NM_000136.3 (MANE Select); coding-DNA position 1374, A replaced by C.
Protein change: p.Arg458Ser; replaces arginine 458 with serine.
Molecular consequence: missense variant.
Genome position (GRCh38, 1-based): chr9:95,107,225, T>G on the plus strand (A>C on the coding strand, the complement: FANCC is on the minus strand). VCF-style: chr9-95107225-T-G. GRCh37 (hg19) VCF-style: chr9-97869507-T-G.
Other names: p.R458S:AGA>AGC; c.1374A>C, p.Arg458Ser (NM_001243743.2); short protein forms R458S.
Identifiers: ClinVar variation 127532 (VCV000127532.24), dbSNP rs56394801, ClinGen allele CA287187.